The following is an entry in ClinVar:

ClinVar aggregate classification (germline): Uncertain significance. Review status: criteria provided, multiple submitters, no conflicts (2 of 4 stars). 2 submissions from 2 submitters: Uncertain significance (2). Last evaluated 2025-10-06.

Conditions:
Fanconi anemia (FA). Also called: Fanconi's anemia. Identifiers: Orphanet 84, MedGen C0015625, MeSH D005199, MONDO:0019391.
Spermatogenic failure 28. Identifiers: MedGen C4748117, MONDO:0054732, OMIM 618086.
Premature ovarian failure 15. Identifiers: MedGen C4748170, MONDO:0054862, OMIM 618096.

Submissions (2):

Labcorp Genetics (formerly Invitae), Labcorp
Classification: Uncertain significance for Fanconi anemia. Last evaluated: 2025-10-06. Review status: criteria provided, single submitter. Criteria: Invitae Variant Classification Sherloc (09022015). Collection method: clinical testing. Allele origin: germline.
Comment: This sequence change replaces glutamine, which is neutral and polar, with histidine, which is basic and polar, at codon 1175 of the FANCM protein (p.Gln1175His). This variant is not present in population databases (gnomAD no frequency). This variant has not been reported in the literature in individuals affected with FANCM-related conditions. ClinVar contains an entry for this variant (Variation ID: 857844). An algorithm developed to predict the effect of missense changes on protein structure and function outputs the following: PolyPhen-2: "Benign". The histidine amino acid residue is found in multiple mammalian species, which suggests that this missense change does not adversely affect protein function. In summary, the available evidence is currently insufficient to determine the role of this variant in disease. Therefore, it has been classified as a Variant of Uncertain Significance.

Fulgent Genetics
Classification: Uncertain significance for Spermatogenic failure 28; Premature ovarian failure 15. Last evaluated: 2024-06-04. Review status: criteria provided, single submitter. Criteria: ACMG Guidelines, 2015. Collection method: clinical testing. Allele origin: germline.

NM_020937.4(FANCM):c.3525G>C (p.Gln1175His)

Gene: FANCM (FA complementation group M; plus strand). Cytogenetic location: 14q21.2.
Variant type: single nucleotide variant.
Coding change: c.3525G>C on transcript NM_020937.4 (MANE Select); coding-DNA position 3525, G replaced by C.
Protein change: p.Gln1175His; replaces glutamine 1175 with histidine.
Molecular consequence: missense variant.
Genome position (GRCh38, 1-based): chr14:45,176,279, G>C. VCF-style: chr14-45176279-G-C. GRCh37 (hg19) VCF-style: chr14-45645482-G-C.
Other names: c.3447G>C, p.Gln1149His (NM_001308133.2); short protein forms Q1175H, Q1149H.
Identifiers: ClinVar variation 857844 (VCV000857844.11), dbSNP rs761300333, ClinGen allele CA389601909.